The following is an entry in ClinVar:

ClinVar aggregate classification (germline): Benign/Likely benign. Review status: criteria provided, multiple submitters, no conflicts (2 of 4 stars). 8 submissions from 7 submitters: Benign (4); Likely benign (4). Last evaluated 2025-11-13.

Conditions:
Ehlers-Danlos syndrome, classic type, 1 (EDSCL1). Also called: Ehlers-Danlos syndrome, type 1; EHLERS-DANLOS SYNDROME, GRAVIS TYPE; EHLERS-DANLOS SYNDROME, SEVERE CLASSIC TYPE; Ehlers-Danlos Syndrome, Classic Type, COL5A1-Related; EDS I. Identifiers: MedGen C0268335, MONDO:0019567, OMIM 130000.
Connective tissue disorder. Also called: Connective tissue disease. Identifiers: MedGen C0009782, MONDO:0003900.
Fibromuscular dysplasia, multifocal. Identifiers: MedGen C5543412, MONDO:0859151, OMIM 619329.

Allele frequency attached by ClinVar (database versions not stated): ESP Exome Variant Server 0.00008; gnomAD 0.00009 and 0.00013; TOPMed 0.00009; gnomAD exomes 0.00013 and 0.00023; 1000 Genomes Project 30x 0.00016; 1000 Genomes Project 0.00020; ExAC 0.00020.
gnomAD v4.1: 207 of 1,614,042 alleles (0.013%); highest among the groups gnomAD compares: South Asian, 0.12%; 3 homozygotes.

Submissions (8):

Labcorp Genetics (formerly Invitae), Labcorp
Classification: Benign for Ehlers-Danlos syndrome, classic type, 1. Last evaluated: 2025-11-13. Review status: criteria provided, single submitter. Criteria: Invitae Variant Classification Sherloc (09022015). Collection method: clinical testing. Allele origin: germline.

Women's Health and Genetics/Laboratory Corporation of America, LabCorp
Classification: Benign. Last evaluated: 2025-09-09. Review status: criteria provided, single submitter. Criteria: LabCorp Variant Classification Summary - May 2015. Collection method: clinical testing. Allele origin: germline.

Blueprint Genetics
Classification: Likely benign. Last evaluated: 2024-10-03. Review status: criteria provided, single submitter. Criteria: ACMG Guidelines, 2015. Collection method: clinical testing. Allele origin: germline.

Genome-Nilou Lab
Classification: Benign for Ehlers-Danlos syndrome, classic type, 1. Last evaluated: 2022-03-15. Review status: criteria provided, single submitter. Criteria: ACMG Guidelines, 2015. Collection method: clinical testing. Allele origin: germline. Affected: no.

Genome-Nilou Lab
Classification: Benign for Fibromuscular dysplasia, multifocal. Last evaluated: 2022-03-15. Review status: criteria provided, single submitter. Criteria: ACMG Guidelines, 2015. Collection method: clinical testing. Allele origin: germline. Affected: no.

Center for Human Genetics, Inc
Classification: Likely benign for Connective tissue disorder. Last evaluated: 2016-11-01. Review status: criteria provided, single submitter. Criteria: ACMG Guidelines, 2015. Collection method: clinical testing. Allele origin: germline. Affected: yes.

GeneDx
Classification: Likely benign. Last evaluated: 2015-10-12. Review status: criteria provided, single submitter. Criteria: GeneDx Variant Classification (06012015). Collection method: clinical testing. Allele origin: germline. Affected: yes.
Comment: This variant is considered likely benign or benign based on one or more of the following criteria: it is a conservative change, it occurs at a poorly conserved position in the protein, it is predicted to be benign by multiple in silico algorithms, and/or has population frequency not consistent with disease.

Breakthrough Genomics
Classification: Likely benign. Review status: criteria provided, single submitter. Criteria: ACMG Guidelines, 2015. Collection method: not provided. Allele origin: germline. Inheritance: Autosomal dominant inheritance. Affected: yes.

NM_000093.5(COL5A1):c.3744+19C>T

Gene: COL5A1 (collagen type V alpha 1 chain; plus strand). Cytogenetic location: 9q34.3.
Variant type: single nucleotide variant.
Coding change: c.3744+19C>T on transcript NM_000093.5 (MANE Select); 19 bases into the intron after coding-DNA position 3744, C replaced by T.
Molecular consequence: intron variant.
Genome position (GRCh38, 1-based): chr9:134,812,521, C>T. VCF-style: chr9-134812521-C-T. GRCh37 (hg19) VCF-style: chr9-137704367-C-T.
Other names: c.3744+19C>T (NM_001278074.1).
Identifiers: ClinVar variation 381022 (VCV000381022.13), dbSNP rs200498760, ClinGen allele CA5320002.
Genomic context (GRCh38, chr9:134,812,521, plus strand): 5'-CCTCCAGGCGAGAAGGGTGAGACAGGAGACGTGGGCCAGATGGTAAGTGTGCCTGAGACT[C>T]CAAGGCCTTGCCGTACTAGCGGCTCATGTTTTGGGGAAACATTTGCGTTTCCTCTGGGCT-3'